The following is an entry in ClinVar:

ClinVar aggregate classification (germline): Conflicting classifications of pathogenicity. Review status: criteria provided, conflicting classifications (1 of 4 stars). 15 submissions from 15 submitters: Uncertain significance (7); Likely benign (7). 1 of the submissions does not count toward it. Last evaluated 2026-03-27.

Conditions:
ATM-related disorder. Also called: ATM-related disorders; ATM-related condition.
Breast and/or ovarian cancer. Identifiers: MedGen CN221562.
Ataxia-telangiectasia syndrome (AT). Also called: LOUIS-BAR SYNDROME; Cerebello-oculocutaneous telangiectasia; Immunodeficiency with ataxia telangiectasia; Ataxia-telangiectasia, complementation group D; Ataxia-telangiectasia, complementation group E; Ataxia telangiectasia (A-T). Identifiers: Orphanet 100, MedGen C0004135, MONDO:0008840, OMIM 208900.
Familial cancer of breast. Also called: hereditary breast carcinoma; Hereditary breast cancer; BREAST CANCER, FAMILIAL. Identifiers: Orphanet 227535, MedGen C0346153, MONDO:0016419, OMIM 114480. Disease mechanism: loss of function.
Hereditary cancer-predisposing syndrome. Also called: Neoplastic Syndromes, Hereditary; Tumor predisposition; Hereditary Cancer Syndrome; Hereditary neoplastic syndrome. Identifiers: Orphanet 140162, MedGen C0027672, MeSH D009386, MONDO:0015356.
Hereditary breast ovarian cancer syndrome. Also called: BRCA1- and BRCA2-Associated Hereditary Breast and Ovarian Cancer; Hereditary breast and ovarian cancer; Hereditary breast and ovarian cancer syndrome; Hereditary breast and ovarian cancer syndrome (HBOC); Breast and ovarian cancer; Hereditary breast and/or ovarian cancer syndrome. Identifiers: Orphanet 145, MedGen C0677776, MeSH D061325, MONDO:0003582. Disease mechanism: loss of function.
Malignant tumor of breast. Also called: Cancer breast; Malignant breast neoplasm. Identifiers: MedGen C0006142, MONDO:0007254. Disease mechanism: loss of function.

Allele frequency attached by ClinVar (database versions not stated): ExAC 0.00003; gnomAD exomes 0.00004; TOPMed 0.00010; gnomAD 0.00014; ESP Exome Variant Server 0.00015.
gnomAD v4.1: 308 of 1,613,922 alleles (0.019%); highest among the groups gnomAD compares: Non-Finnish European, 0.025%; no homozygotes.

Submissions (15):

PreventionGenetics, part of Exact Sciences
Classification: Likely benign for ATM-related condition. Last evaluated: 2026-03-27. Review status: criteria provided, single submitter. Criteria: ACMG Guidelines, 2015. Collection method: clinical testing. Allele origin: germline.
Comment: This variant is classified as likely benign based on ACMG/AMP sequence variant interpretation guidelines (Richards et al. 2015 PMID: 25741868, with internal and published modifications).

Labcorp Genetics (formerly Invitae), Labcorp
Classification: Likely benign for Ataxia-telangiectasia syndrome. Last evaluated: 2026-02-02. Review status: criteria provided, single submitter. Criteria: Invitae Variant Classification Sherloc (09022015). Collection method: clinical testing. Allele origin: germline.

Mayo Clinic Laboratories, Mayo Clinic
Classification: Uncertain significance. Last evaluated: 2025-10-09. Review status: criteria provided, single submitter. Criteria: ACMG Guidelines, 2015. Collection method: clinical testing. Allele origin: germline. Observed: 2 variant alleles.
Comment: BP4_moderate

Quest Diagnostics Nichols Institute San Juan Capistrano
Classification: Uncertain significance. Last evaluated: 2025-08-01. Review status: criteria provided, single submitter. Criteria: Quest Diagnostics criteria. Collection method: clinical testing. Allele origin: unknown.

GeneDx
Classification: Uncertain significance. Last evaluated: 2025-05-16. Review status: criteria provided, single submitter. Criteria: GeneDx Variant Classification Process June 2021. Collection method: clinical testing. Allele origin: germline. Affected: yes.
Comment: Published functional studies suggest no damaging effect: lymphoblastoid cell line showed normal constitutive ATM protein level (PMID: 14695186); In silico analysis suggests that this missense variant does not alter protein structure/function; Not observed at significant frequency in large population cohorts (gnomAD); This variant is associated with the following publications: (PMID: 19683821, 27150160, 26350204, 26787654, 26689913, 19781682, 28135145, 25186627, 28779002, 30197789, 28652578, 30979843, 30972172, 12473594, 33395407, 28843361, 32885271, 35047863, 14695186, 38103590)

Ambry Genetics
Classification: Likely benign for Hereditary cancer-predisposing syndrome. Last evaluated: 2024-10-10. Review status: criteria provided, single submitter. Criteria: Ambry Variant Classification Scheme 2023. Collection method: clinical testing. Allele origin: germline.

Color Diagnostics, LLC DBA Color Health
Classification: Likely benign for Hereditary cancer-predisposing syndrome. Last evaluated: 2024-09-19. Review status: criteria provided, single submitter. Criteria: ACMG Guidelines, 2015. Collection method: clinical testing. Allele origin: germline.

Blueprint Genetics
Classification: Likely benign. Last evaluated: 2024-09-18. Review status: criteria provided, single submitter. Criteria: ACMG Guidelines, 2015. Collection method: clinical testing. Allele origin: germline.

Molecular Pathology, Peter Maccallum Cancer Centre
Classification: Uncertain significance for Ataxia-telangiectasia syndrome. Last evaluated: 2024-07-28. Review status: criteria provided, single submitter. Criteria: ACMG Guidelines, 2015. Collection method: clinical testing. Allele origin: germline. Inheritance: Autosomal recessive inheritance.

Myriad Genetics, Inc.
Classification: Likely benign for Familial cancer of breast. Last evaluated: 2024-05-22. Review status: criteria provided, single submitter. Criteria: Myriad Autosomal Dominant, Autosomal Recessive and X-Linked Classification Criteria (2023). Collection method: clinical testing. Allele origin: unknown.
Comment: This variant is considered likely benign. This variant is strongly associated with less severe personal and family histories of cancer, typical for individuals without pathogenic variants in this gene [PMID: 25085752].

Women's Health and Genetics/Laboratory Corporation of America, LabCorp
Classification: Uncertain significance. Last evaluated: 2024-05-13. Review status: criteria provided, single submitter. Criteria: LabCorp Variant Classification Summary - May 2015. Collection method: clinical testing. Allele origin: germline.
Comment: Variant summary: ATM c.5089A>G (p.Thr1697Ala) results in a non-conservative amino acid change in the encoded protein sequence. Four of five in-silico tools predict a benign effect of the variant on protein function. The variant allele was found at a frequency of 4.3e-05 in 254138 control chromosomes. This frequency is not significantly higher than estimated for a pathogenic variant in ATM causing Ataxia-Telangiectasia (4.3e-05 vs 0.004), allowing no conclusion about variant significance. c.5089A>G has been reported in the literature in individuals affected with Hodgkins disease, breast cancer, colorectal cancer, lung adenocarcinoma, and CLL (Offit_2002, Angele_2003, Tavtigian_2009, Tung_2015, Lu_2015, Young_2015, Yurgelun_2017, Tiao_2017, Parry_2017). These reports however, do not provide unequivocal conclusions about association of the variant with Ataxia-Telangiectasia or susceptibility to breast or other cancers. One publication reports experimental evidence showing that the cell lines from the breast cancer patient carrying c.5089A>G showed no differences in the constitutive ATM protein level (Angele_2003) although the authors did not provide any primary data substantiating this observation. The following publications have been ascertained in the context of this evaluation (PMID: 14695186, 26689913, 12473594, 28843361, 19781682, 28652578, 25186627, 26787654, 28135145). ClinVar contains an entry for this variant (Variation ID: 127400). Based on the evidence outlined above, the variant was classified as uncertain significance.

National Health Laboratory Service, Universitas Academic Hospital and University of the Free State
Classification: Likely benign for Hereditary breast ovarian cancer syndrome. Last evaluated: 2022-04-19. Review status: criteria provided, single submitter. Criteria: ACMG Guidelines, 2015. Collection method: clinical testing. Allele origin: germline. Affected: yes. Observed: 1 variant allele.

CHEO Genetics Diagnostic Laboratory, Children's Hospital of Eastern Ontario
Classification: Uncertain significance for Breast and/or ovarian cancer. Last evaluated: 2020-03-11. Review status: criteria provided, single submitter. Criteria: ACMG Guidelines, 2015. Collection method: clinical testing. Allele origin: germline.

Fulgent Genetics
Classification: Uncertain significance for Familial cancer of breast; Ataxia-telangiectasia syndrome. Last evaluated: 2017-05-23. Review status: criteria provided, single submitter. Criteria: ACMG Guidelines, 2015. Collection method: clinical testing. Allele origin: unknown.

Department of Pathology and Laboratory Medicine, Sinai Health System
Classification: Uncertain significance for Malignant tumor of breast. Review status: no assertion criteria provided. Collection method: clinical testing. Allele origin: unknown. Affected: yes. Observed: 1 variant allele. Study: The Canadian Open Genetics Repository (COGR). Not counted in ClinVar's aggregate classification.
Comment: The ATM p.Thr1697Ala variant was identified in 4 of 5698 proband chromosomes (frequency: 0.0007) from individuals or families with breast cancer or Hodgkinâ€šÃ„Ã´s Disease and was not identified in 624 control chromosomes from healthy individuals (Angele 2003, Offit 2002, Tavtigian 2009). The variant was also identified in dbSNP (ID: rs142455912) as "With Uncertain significance allele", and in ClinVar (classified as uncertain significance by GeneDx, Ambry Genetics, Invitae, and one clinical laboratory). The variant was not identified in GeneInsight-COGR, Cosmic, MutDB, or LOVD 3.0 databases. The variant was identified in control databases in 12 of 276948 chromosomes at a frequency of 0.00004 (Genome Aggregation Database Feb 27, 2017). Breakdown of the observations by population include African in 1 of 24030 chromosomes (freq: 0.00004), Latino in 1 of 34416 chromosomes (freq: 0.00003), European in 10 of 126462 chromosomes (freq: 0.00008), while the variant was not observed in the Other, Ashkenazi Jewish, East Asian, Finnish, and South Asian populations. The p.Thr1697 residue is not conserved in mammals and computational analyses (PolyPhen-2, SIFT, AlignGVGD, BLOSUM, MutationTaster) do not suggest a high likelihood of impact to the protein; however, this information is not predictive enough to rule out pathogenicity. The variant occurs outside of the splicing consensus sequence and in silico or computational prediction software programs (SpliceSiteFinder, MaxEntScan, NNSPLICE, GeneSplicer, HumanSpliceFinder) do not predict a difference in splicing. In summary, based on the above information the clinical significance of this variant cannot be determined with certainty at this time. This variant is classified as a variant of uncertain significance.

Literature cited by the submitters: PubMed 14695186 (cited by Mayo Clinic Laboratories, Mayo Clinic and Women's Health and Genetics/Laboratory Corporation of America, LabCorp); PubMed 19781682 (cited by Mayo Clinic Laboratories, Mayo Clinic and Women's Health and Genetics/Laboratory Corporation of America, LabCorp); PubMed 25186627 (cited by 3 submitters); PubMed 26689913 (cited by Mayo Clinic Laboratories, Mayo Clinic and Women's Health and Genetics/Laboratory Corporation of America, LabCorp); PubMed 28652578 (cited by Mayo Clinic Laboratories, Mayo Clinic and Women's Health and Genetics/Laboratory Corporation of America, LabCorp); PubMed 26787654 (cited by Ambry Genetics and Women's Health and Genetics/Laboratory Corporation of America, LabCorp); PubMed 28779002 (cited by Ambry Genetics); PubMed 32885271 (cited by Ambry Genetics); PubMed 25085752 (cited by Myriad Genetics, Inc.); PubMed 12473594 (cited by Women's Health and Genetics/Laboratory Corporation of America, LabCorp); PubMed 28135145 (cited by Women's Health and Genetics/Laboratory Corporation of America, LabCorp); PubMed 28843361 (cited by Women's Health and Genetics/Laboratory Corporation of America, LabCorp).

NM_000051.4(ATM):c.5089A>G (p.Thr1697Ala)

Gene: ATM (ATM serine/threonine kinase; plus strand). Cytogenetic location: 11q22.3.
Variant type: single nucleotide variant.
Coding change: c.5089A>G on transcript NM_000051.4 (MANE Select); coding-DNA position 5089, A replaced by G.
Protein change: p.Thr1697Ala; replaces threonine 1697 with alanine.
Molecular consequence: missense variant.
Genome position (GRCh38, 1-based): chr11:108,299,797, A>G. VCF-style: chr11-108299797-A-G. GRCh37 (hg19) VCF-style: chr11-108170524-A-G.
Other names: p.T1697A:ACC>GCC; NP_000042.3:p.Thr1697Ala; c.5089A>G, p.Thr1697Ala (NM_001351834.2); short protein forms T1697A.
Identifiers: ClinVar variation 127400 (VCV000127400.48), dbSNP rs142455912, ClinGen allele CA286873.
Genomic context (GRCh38, chr11:108,299,797, plus strand): 5'-GAAGTGGGTCCTATAGATTTCTCTACCATAGCTATACAACATAGTAAAGATGCATCTTAT[A>G]CCAAGGCCCTTAAGTTATTTGAAGATAAAGAACTTCAGTGGACCTTCATAATGCTGACCT-3'
Protein context (NP_000042.3, residues 1687-1707): AIQHSKDASY[Thr1697Ala]KALKLFEDKE